The following is an entry in ClinVar:

ClinVar aggregate classification (germline): Uncertain significance (1 of 4 stars; one submission).

Conditions:
Long QT syndrome (LQTS). Identifiers: MedGen C0023976, MeSH D008133, MONDO:0002442. Disease mechanism: loss of function. Inheritance: Various modes of inheritance.

Submission:

Labcorp Genetics (formerly Invitae), Labcorp
Classification: Uncertain significance for Long QT syndrome. Last evaluated: 2024-07-02. Review status: criteria provided, single submitter. Criteria: Invitae Variant Classification Sherloc (09022015). Collection method: clinical testing. Allele origin: germline.
Comment: This sequence change replaces glutamine, which is neutral and polar, with histidine, which is basic and polar, at codon 1579 of the AKAP9 protein (p.Gln1579His). This variant is not present in population databases (gnomAD no frequency). This variant has not been reported in the literature in individuals affected with AKAP9-related conditions. An algorithm developed to predict the effect of missense changes on protein structure and function (PolyPhen-2) suggests that this variant is likely to be disruptive. In summary, the available evidence is currently insufficient to determine the role of this variant in disease. Therefore, it has been classified as a Variant of Uncertain Significance.

NM_005751.5(AKAP9):c.4737A>T (p.Gln1579His)

Gene: AKAP9 (A-kinase anchoring protein 9; plus strand). Cytogenetic location: 7q21.2.
Variant type: single nucleotide variant.
Coding change: c.4737A>T on transcript NM_005751.5 (MANE Select); coding-DNA position 4737, A replaced by T.
Protein change: p.Gln1579His; replaces glutamine 1579 with histidine.
Molecular consequence: missense variant.
Genome position (GRCh38, 1-based): chr7:92,040,718, A>T. VCF-style: chr7-92040718-A-T. GRCh37 (hg19) VCF-style: chr7-91670032-A-T.
Other names: c.4737A>T, p.Gln1579His (NM_147185.3); short protein forms Q1579H.
Identifiers: ClinVar variation 3681889 (VCV003681889.2).